The following is an entry in ClinVar:

NM_001363711.2(DUOX2):c.191A>G (p.Asn64Ser)

Gene: DUOX2 (dual oxidase 2; minus strand). Cytogenetic location: 15q21.1.
Variant type: single nucleotide variant.
Coding change: c.191A>G on transcript NM_001363711.2 (MANE Select); coding-DNA position 191, A replaced by G.
Protein change: p.Asn64Ser; replaces asparagine 64 with serine.
Molecular consequence: missense variant.
Genome position (GRCh38, 1-based): chr15:45,112,688, T>C on the plus strand (A>G on the coding strand, the complement: DUOX2 is on the minus strand). VCF-style: chr15-45112688-T-C. GRCh37 (hg19) VCF-style: chr15-45404886-T-C.
Other names: c.191A>G, p.Asn64Ser (NM_014080.5); short protein forms N64S.
Identifiers: ClinVar variation 1916430 (VCV001916430.5), dbSNP rs1195201527, ClinGen allele CA392279860.

ClinVar aggregate classification (germline): Uncertain significance (1 of 4 stars; one submission).

Allele frequency attached by ClinVar (database versions not stated): gnomAD 0.00002; gnomAD exomes 0.00002; TOPMed 0.00002.
gnomAD v4.1: 17 of 1,612,392 alleles (0.0011%); highest among the groups gnomAD compares: East Asian, 0.022%; no homozygotes.

Submission:

Labcorp Genetics (formerly Invitae), Labcorp
Classification: Uncertain significance. Last evaluated: 2023-10-11. Review status: criteria provided, single submitter. Criteria: Invitae Variant Classification Sherloc (09022015). Collection method: clinical testing. Allele origin: germline.
Comment: This sequence change replaces asparagine, which is neutral and polar, with serine, which is neutral and polar, at codon 64 of the DUOX2 protein (p.Asn64Ser). This variant is present in population databases (no rsID available, gnomAD 0.01%). This variant has not been reported in the literature in individuals affected with DUOX2-related conditions. ClinVar contains an entry for this variant (Variation ID: 1916430). Advanced modeling of protein sequence and biophysical properties (such as structural, functional, and spatial information, amino acid conservation, physicochemical variation, residue mobility, and thermodynamic stability) performed at Invitae indicates that this missense variant is not expected to disrupt DUOX2 protein function. In summary, the available evidence is currently insufficient to determine the role of this variant in disease. Therefore, it has been classified as a Variant of Uncertain Significance.